The following is an entry in ClinVar:

ClinVar aggregate classification (germline): Benign/Likely benign. Review status: criteria provided, multiple submitters, no conflicts (2 of 4 stars). 6 submissions from 6 submitters: Benign (1); Likely benign (4). 1 of the submissions does not count toward it. Last evaluated 2026-02-01.

Conditions:
Cone-rod dystrophy 7 (CORD7). Identifiers: Orphanet 1872, MedGen C1863634, MONDO:0011355, OMIM 603649.
Retinal dystrophy. Also called: Inherited retinal dystrophy. Identifiers: Orphanet 71862, MedGen C0854723, MeSH D058499, MONDO:0019118, HP:0000556.

Allele frequency attached by ClinVar (database versions not stated): 1000 Genomes Project 30x 0.00047; 1000 Genomes Project 0.00060; TOPMed 0.00106; gnomAD 0.00108; ESP Exome Variant Server 0.00133.
gnomAD v4.1: 2,613 of 1,612,992 alleles (0.16%); highest among the groups gnomAD compares: Non-Finnish European, 0.2%; 3 homozygotes.

Submissions (6):

CeGaT Center for Human Genetics Tuebingen
Classification: Likely benign. Last evaluated: 2026-02-01. Review status: criteria provided, single submitter. Criteria: CeGaT Center For Human Genetics Tuebingen Variant Classification Criteria Version 2. Collection method: clinical testing. Allele origin: germline. Affected: yes. Observed: 4 variant alleles.
Comment: RIMS1: BP4, BP7

Labcorp Genetics (formerly Invitae), Labcorp
Classification: Likely benign. Last evaluated: 2026-02-01. Review status: criteria provided, single submitter. Criteria: Invitae Variant Classification Sherloc (09022015). Collection method: clinical testing. Allele origin: germline.

Blueprint Genetics
Classification: Likely benign. Last evaluated: 2024-11-21. Review status: criteria provided, single submitter. Criteria: ACMG Guidelines, 2015. Collection method: clinical testing. Allele origin: germline.

Illumina Laboratory Services, Illumina
Classification: Benign for Cone-rod dystrophy 7. Last evaluated: 2018-01-13. Review status: criteria provided, single submitter. Criteria: ICSL Variant Classification Criteria 13 December 2019. Collection method: clinical testing. Allele origin: germline.
Comment: This variant was observed in the ICSL laboratory as part of a predisposition screen in an ostensibly healthy population. It had not been previously curated by ICSL or reported in the Human Gene Mutation Database (HGMD: prior to June 1st, 2018), and was therefore a candidate for classification through an automated scoring system. Utilizing variant allele frequency, disease prevalence and penetrance estimates, and inheritance mode, an automated score was calculated to assess if this variant is too frequent to cause the disease. Based on the score and internal cut-off values, a variant classified as benign is not then subjected to further curation. The score for this variant resulted in a classification of benign for this disease.

Breakthrough Genomics
Classification: Likely benign. Review status: criteria provided, single submitter. Criteria: ACMG Guidelines, 2015. Collection method: not provided. Allele origin: germline. Inheritance: Autosomal dominant inheritance. Affected: yes.

Institute of Human Genetics, Univ. Regensburg, Univ. Regensburg
Classification: Uncertain significance for Retinal dystrophy. Last evaluated: 2011-01-01. Review status: no assertion criteria provided. Criteria: ACMG Guidelines, 2015. Collection method: clinical testing. Allele origin: germline. Affected: yes. Not counted in ClinVar's aggregate classification.

NM_014989.7(RIMS1):c.3465G>A (p.Ala1155=)

Gene: RIMS1 (regulating synaptic membrane exocytosis 1; plus strand). Cytogenetic location: 6q13.
Variant type: single nucleotide variant.
Coding change: c.3465G>A on transcript NM_014989.7 (MANE Select); coding-DNA position 3465, G replaced by A.
Protein change: p.Ala1155=; no amino-acid change (alanine 1155 retained).
Molecular consequence: synonymous variant. On other transcripts: intron variant (58).
Genome position (GRCh38, 1-based): chr6:72,274,415, G>A. VCF-style: chr6-72274415-G-A. GRCh37 (hg19) VCF-style: chr6-72984118-G-A.
Other names: c.1692G>A, p.Ala564= (NM_001350415.2, NM_001350445.2); c.1695G>A, p.Ala565= (NM_001350433.2); c.1629G>A, p.Ala543= (NM_001350435.2); c.1623G>A, p.Ala541= (NM_001350437.2); c.1559+8366G>A (NM_001350428.2, NM_001350459.2, NM_001350424.2 and 1 more transcripts); c.1556+8366G>A (NM_001350430.2, NM_001350421.2, NM_001350450.2); c.1706+8366G>A (NM_001350458.2); c.1628+8366G>A (NM_001350446.2, NM_001350442.2, NM_001350416.2 and 7 more transcripts); and 20 more.
Identifiers: ClinVar variation 357852 (VCV000357852.40), dbSNP rs190562383, ClinGen allele CA3886251.